The following is an entry in ClinVar:

ClinVar aggregate classification (germline): Conflicting classifications of pathogenicity. Review status: criteria provided, conflicting classifications (1 of 4 stars). 3 submissions from 3 submitters: Likely pathogenic (2); Uncertain significance (1). Last evaluated 2026-02-09.

Conditions:
Cockayne syndrome type 1. Also called: Cockayne syndrome type I; Cockayne syndrome classical; Cockayne syndrome classic form. Identifiers: Orphanet 191, Orphanet 90321, MedGen C0751039, MONDO:0019569, OMIM 216400.

Allele frequency attached by ClinVar (database versions not stated): gnomAD 0.00003; TOPMed 0.00003.
gnomAD v4.1: 50 of 1,612,106 alleles (0.0031%); highest among the groups gnomAD compares: Non-Finnish European, 0.0042%; no homozygotes.

Submissions (3):

Victorian Clinical Genetics Services, Murdoch Childrens Research Institute
Classification: Likely pathogenic for Cockayne syndrome type 1. Last evaluated: 2026-02-09. Review status: criteria provided, single submitter. Criteria: ACMG Guidelines, 2015. Collection method: clinical testing. Allele origin: germline. Affected: yes.
Comment: This variant is classified as Likely pathogenic. Evidence in support of pathogenic classification: Variant is present in gnomAD <0.01 for a recessive condition (v4: 50 heterozygote(s), 0 homozygote(s)); This variant has limited previous evidence of pathogenicity in an unrelated individual. This variant has been classified likely pathogenic by a clinical laboratory in ClinVar; Heterozygous variant detected in trans with a second PATHOGENIC heterozygous variant (ERCC8 exon 4 complex variant, NC_000005.10:g.[60915708_60916258del;60916259_60917918inv;60917919_60921286del]) in a recessive disease. Additional information: Variant is predicted to result in a missense amino acid change from Gly to Ser; This variant is heterozygous; This gene is associated with autosomal recessive disease; Alternative amino acid change(s) at the same position are present in gnomAD (highest allele count: v4: 2 heterozygote(s), 0 homozygote(s)); No published evidence of segregation with disease has been identified for this variant; No published functional evidence has been identified for this variant; No comparable missense variants have previous evidence for pathogenicity; Variant is located in the annotated WD40 domain (DECIPHER); Missense variant with inconclusive in silico prediction and/or uninformative conservation; Loss of function is a known mechanism of disease in this gene and is associated with Cockayne syndrome, type A (MIM#216400) and UV-sensitive syndrome (MIM#614621).

Labcorp Genetics (formerly Invitae), Labcorp
Classification: Uncertain significance. Last evaluated: 2024-06-17. Review status: criteria provided, single submitter. Criteria: Invitae Variant Classification Sherloc (09022015). Collection method: clinical testing. Allele origin: germline.
Comment: This sequence change affects codon 184 of the ERCC8 mRNA. It is a 'silent' change, meaning that it does not change the encoded amino acid sequence of the ERCC8 protein. This variant also falls at the last nucleotide of exon 6, which is part of the consensus splice site for this exon. This variant is present in population databases (no rsID available, gnomAD 0.002%). This variant has not been reported in the literature in individuals affected with ERCC8-related conditions. ClinVar contains an entry for this variant (Variation ID: 2198448). An algorithm developed to predict the effect of missense changes on protein structure and function (PolyPhen-2) suggests that this variant is likely to be disruptive. Variants that disrupt the consensus splice site are a relatively common cause of aberrant splicing (PMID: 17576681, 9536098). Algorithms developed to predict the effect of sequence changes on RNA splicing suggest that this variant may disrupt the consensus splice site. In summary, the available evidence is currently insufficient to determine the role of this variant in disease. Therefore, it has been classified as a Variant of Uncertain Significance.

GeneDx
Classification: Likely pathogenic. Last evaluated: 2024-04-24. Review status: criteria provided, single submitter. Criteria: GeneDx Variant Classification Process June 2021. Collection method: clinical testing. Allele origin: germline. Affected: yes.
Comment: Not observed at significant frequency in large population cohorts (gnomAD); Alters the last nucleotide of the exon and is predicted to destroy the splice donor site but the effect on protein function is unclear; Has not been previously published as pathogenic or benign to our knowledge; This variant is associated with the following publications: (PMID: 26344056)

Literature cited by the submitters: PubMed 17576681 (cited by Labcorp Genetics (formerly Invitae), Labcorp); PubMed 9536098 (cited by Labcorp Genetics (formerly Invitae), Labcorp).

NM_000082.4(ERCC8):c.550G>A (p.Gly184Ser)

Gene: ERCC8 (ERCC excision repair 8, CSA ubiquitin ligase complex subunit; minus strand). Cytogenetic location: 5q12.1.
Variant type: single nucleotide variant.
Coding change: c.550G>A on transcript NM_000082.4 (MANE Select); coding-DNA position 550, G replaced by A.
Protein change: p.Gly184Ser; replaces glycine 184 with serine.
Molecular consequence: missense variant.
Genome position (GRCh38, 1-based): chr5:60,903,648, C>T on the plus strand (G>A on the coding strand, the complement: ERCC8 is on the minus strand). VCF-style: chr5-60903648-C-T. GRCh37 (hg19) VCF-style: chr5-60199475-C-T.
Other names: c.376G>A, p.Gly126Ser (NM_001007233.3); c.550G>A, p.Gly184Ser (NM_001007234.3); c.91G>A, p.Gly31Ser (NM_001290285.2); short protein forms G126S, G31S, G184S.
Identifiers: ClinVar variation 2198448 (VCV002198448.6), dbSNP rs1462459648, ClinGen allele CA359826657.
Genomic context (GRCh38, chr5:60,903,648, plus strand): 5'-GTTTCTTTTTATTGAATCGTTTACTCAAAGTAGTTGCCGTTTGAAATAAAATAAAAATAC[C>T]CTGTAGAATGTGAGAACAGGATCCAGACTTCAAGTCACAAAGTTGTACTTTGGGTCCTCT-3'
Protein context (NP_000073.1, residues 174-194): KSGSCSHILQ[Gly184Ser]HRQEILAVSW